The following is an entry in ClinVar:

ClinVar aggregate classification (germline): Uncertain significance. Review status: criteria provided, multiple submitters, no conflicts (2 of 4 stars). 2 submissions from 2 submitters: Uncertain significance (2). Last evaluated 2025-02-19.

Conditions:
POLD1-related polyposis and colorectal cancer syndrome (CRCS10). Also called: Colorectal cancer 10; Colorectal cancer, susceptibility to, 10; COLORECTAL CANCER, SUSCEPTIBILITY TO, ON CHROMOSOME 19q. Identifiers: Orphanet 220460, MedGen C2675481, MONDO:0012953, OMIM 612591.
Hereditary cancer-predisposing syndrome. Also called: Tumor predisposition; Hereditary Cancer Syndrome; Hereditary neoplastic syndrome; Neoplastic Syndromes, Hereditary. Identifiers: Orphanet 140162, MedGen C0027672, MeSH D009386, MONDO:0015356.

Submissions (2):

Ambry Genetics
Classification: Uncertain significance for Hereditary cancer-predisposing syndrome. Last evaluated: 2025-02-19. Review status: criteria provided, single submitter. Criteria: Ambry Variant Classification Scheme 2023. Collection method: clinical testing. Allele origin: germline.
Comment: The c.2007-5C>A intronic variant results from a C to A substitution 5 nucleotides upstream from coding exon 16 in the POLD1 gene. This nucleotide position is not well conserved in available vertebrate species. In silico splice site analysis predicts that this alteration will result in the creation or strengthening of a novel splice acceptor site. Based on the available evidence, the clinical significance of this variant remains unclear.

Labcorp Genetics (formerly Invitae), Labcorp
Classification: Uncertain significance for POLD1-related polyposis and colorectal cancer syndrome. Last evaluated: 2023-08-05. Review status: criteria provided, single submitter. Criteria: Invitae Variant Classification Sherloc (09022015). Collection method: clinical testing. Allele origin: germline.
Comment: Algorithms developed to predict the effect of sequence changes on RNA splicing suggest that this variant may create or strengthen a splice site. This variant has not been reported in the literature in individuals affected with POLD1-related conditions. This variant is not present in population databases (gnomAD no frequency). In summary, the available evidence is currently insufficient to determine the role of this variant in disease. Therefore, it has been classified as a Variant of Uncertain Significance. This sequence change falls in intron 16 of the POLD1 gene. It does not directly change the encoded amino acid sequence of the POLD1 protein.

NM_002691.4(POLD1):c.2007-5C>A

Gene: POLD1 (DNA polymerase delta 1, catalytic subunit; plus strand). Cytogenetic location: 19q13.33.
Variant type: single nucleotide variant.
Coding change: c.2007-5C>A on transcript NM_002691.4 (MANE Select); 5 bases into the intron before coding-DNA position 2007, C replaced by A.
Molecular consequence: intron variant.
Genome position (GRCh38, 1-based): chr19:50,409,514, C>A. VCF-style: chr19-50409514-C-A. GRCh37 (hg19) VCF-style: chr19-50912771-C-A.
Other names: c.2007-5C>A (NM_001256849.1, NM_002691.2); c.2085-5C>A (NM_001308632.1).
Identifiers: ClinVar variation 2750400 (VCV002750400.4), dbSNP rs199506387, ClinGen allele CA2697556659.
Genomic context (GRCh38, chr19:50,409,514, plus strand): 5'-CAGAAAGGAGCCCTGACCAATGCCCAGGTGCCGCCTGAGTGTGCTTTCCCCGTGTTCCCT[C>A]GCAGGGCCAAGGCCGAGCTGGCCAAGGAGACAGACCCCCTCCGGCGCCAGGTCCTGGATG-3'